The following is an entry in ClinVar:

ClinVar aggregate classification (germline): Uncertain significance (1 of 4 stars; one submission).

Submission:

Ambry Genetics
Classification: Uncertain significance. Last evaluated: 2022-03-25. Review status: criteria provided, single submitter. Criteria: Ambry Variant Classification Scheme 2023. Collection method: clinical testing. Allele origin: germline.
Comment: The p.V183L variant (also known as c.547G>T), located in coding exon 1 of the EGLN2 gene, results from a G to T substitution at nucleotide position 547. The valine at codon 183 is replaced by leucine, an amino acid with highly similar properties. This amino acid position is conserved. In addition, this alteration is predicted to be tolerated by in silico analysis. Since supporting evidence is limited at this time, the clinical significance of this alteration remains unclear.

NM_080732.4(EGLN2):c.547G>T (p.Val183Leu)

Genes: EGLN2 (egl-9 family hypoxia inducible factor 2; plus strand), RAB4B-EGLN2 (RAB4B-EGLN2 readthrough (NMD candidate); plus strand). Cytogenetic location: 19q13.2.
Variant type: single nucleotide variant.
Coding change: c.547G>T on transcript NM_080732.4 (MANE Select); coding-DNA position 547, G replaced by T.
Protein change: p.Val183Leu; replaces valine 183 with leucine.
Molecular consequence: missense variant. On other transcripts: non-coding transcript variant (1).
Genome position (GRCh38, 1-based): chr19:40,801,119, G>T. VCF-style: chr19-40801119-G-T. GRCh37 (hg19) VCF-style: chr19-41307024-G-T.
Other names: c.547G>T, p.Val183Leu (NM_053046.4); short protein forms V183L.
Identifiers: ClinVar variation 1747797 (VCV001747797.2), dbSNP rs117916638, ClinGen allele CA405955486.